The following is an entry in ClinVar:

ClinVar aggregate classification (germline): Conflicting classifications of pathogenicity. Review status: criteria provided, conflicting classifications (1 of 4 stars). 5 submissions from 5 submitters: Uncertain significance (1); Likely benign (4). Last evaluated 2025-09-02.

Conditions:
Inborn genetic diseases. Identifiers: MedGen C0950123, MeSH D030342.
Cerebral folate transport deficiency. Also called: FOLATE RECEPTOR DEFICIENCY; FOLR1-Related Cerebral Folate Transport Deficiency; Cerebral folate deficiency syndrome; NEURODEGENERATION DUE TO CEREBRAL FOLATE TRANSPORT DEFICIENCY; Neurodegenerative syndrome due to cerebral folate transport deficiency. Identifiers: Orphanet 217382, MedGen C2751584, MONDO:0013110, OMIM 613068. Disease mechanism: loss of function.

Allele frequency attached by ClinVar (database versions not stated): TOPMed below 0.00001; gnomAD 0.00001; gnomAD exomes 0.00001 and 0.00002; ExAC 0.00002.
gnomAD v4.1: 13 of 1,614,082 alleles (0.00081%); highest among the groups gnomAD compares: South Asian, 0.0044%; no homozygotes.

Submissions (5):

Labcorp Genetics (formerly Invitae), Labcorp
Classification: Likely benign for Cerebral folate transport deficiency. Last evaluated: 2025-09-02. Review status: criteria provided, single submitter. Criteria: Invitae Variant Classification Sherloc (09022015). Collection method: clinical testing. Allele origin: germline.

Blueprint Genetics
Classification: Likely benign. Last evaluated: 2022-06-02. Review status: criteria provided, single submitter. Criteria: ACMG Guidelines, 2015. Collection method: clinical testing. Allele origin: germline.

Illumina Laboratory Services, Illumina
Classification: Uncertain significance for Cerebral folate transport deficiency. Last evaluated: 2018-01-13. Review status: criteria provided, single submitter. Criteria: ICSL Variant Classification Criteria 13 December 2019. Collection method: clinical testing. Allele origin: germline.

GeneDx
Classification: Likely benign. Last evaluated: 2016-07-15. Review status: criteria provided, single submitter. Criteria: GeneDx Variant Classification (06012015). Collection method: clinical testing. Allele origin: germline. Affected: yes.
Comment: This variant is considered likely benign or benign based on one or more of the following criteria: it is a conservative change, it occurs at a poorly conserved position in the protein, it is predicted to be benign by multiple in silico algorithms, and/or has population frequency not consistent with disease.

Ambry Genetics
Classification: Likely benign for Inborn genetic diseases. Last evaluated: 2016-07-07. Review status: criteria provided, single submitter. Criteria: Ambry Variant Classification Scheme 2023. Collection method: clinical testing. Allele origin: germline.

NM_016729.3(FOLR1):c.588C>T (p.Ser196=)

Genes: FOLR1 (folate receptor alpha; plus strand), FOLR1-AS1 (FOLR1 antisense RNA 1; minus strand). Cytogenetic location: 11q13.4.
Variant type: single nucleotide variant.
Coding change: c.588C>T on transcript NM_016729.3 (MANE Select); coding-DNA position 588, C replaced by T.
Protein change: p.Ser196=; no amino-acid change (serine 196 retained).
Molecular consequence: synonymous variant.
Genome position (GRCh38, 1-based): chr11:72,195,991, C>T. VCF-style: chr11-72195991-C-T. GRCh37 (hg19) VCF-style: chr11-71907035-C-T.
Other names: c.588C>T, p.Ser196= (NM_000802.3, NM_016724.3, NM_016725.3).
Identifiers: ClinVar variation 306025 (VCV000306025.20), dbSNP rs755278391, ClinGen allele CA6169235.